The following is an entry in ClinVar:

NM_005228.5(EGFR):c.3087G>A (p.Thr1029=)

Gene: EGFR (epidermal growth factor receptor; plus strand). Cytogenetic location: 7p11.2.
Variant type: single nucleotide variant.
Coding change: c.3087G>A on transcript NM_005228.5 (MANE Select); coding-DNA position 3087, G replaced by A.
Protein change: p.Thr1029=; no amino-acid change (threonine 1029 retained).
Molecular consequence: synonymous variant.
Genome position (GRCh38, 1-based): chr7:55,201,328, G>A. VCF-style: chr7-55201328-G-A. GRCh37 (hg19) VCF-style: chr7-55269021-G-A.
Other names: c.2952G>A, p.Thr984= (NM_001346897.2, NM_001346899.2); c.3087G>A, p.Thr1029= (NM_001346898.2); c.2928G>A, p.Thr976= (NM_001346900.2); c.2286G>A, p.Thr762= (NM_001346941.2); c.3087G>A (NM_005228.3).
Identifiers: ClinVar variation 1103722 (VCV001103722.33), dbSNP rs141489713, ClinGen allele CA4266253.

ClinVar aggregate classification (germline): Likely benign. Review status: criteria provided, multiple submitters, no conflicts (2 of 4 stars). 3 submissions from 3 submitters: Likely benign (3). Last evaluated 2026-01-25.

Conditions:
Hereditary cancer-predisposing syndrome. Also called: Neoplastic Syndromes, Hereditary; Tumor predisposition; Hereditary neoplastic syndrome; Hereditary Cancer Syndrome. Identifiers: Orphanet 140162, MedGen C0027672, MeSH D009386, MONDO:0015356.
EGFR-related lung cancer (EGFR). Identifiers: MedGen CN130014.

Allele frequency attached by ClinVar (database versions not stated): ExAC 0.00006; gnomAD exomes 0.00006 and 0.00008; gnomAD 0.00007 and 0.00009; ESP Exome Variant Server 0.00008; TOPMed 0.00009; 1000 Genomes Project 30x 0.00016; 1000 Genomes Project 0.00020.
gnomAD v4.1: 137 of 1,614,026 alleles (0.0085%); highest among the groups gnomAD compares: Middle Eastern, 0.016%; no homozygotes.

Submissions (3):

Labcorp Genetics (formerly Invitae), Labcorp
Classification: Likely benign for EGFR-related lung cancer. Last evaluated: 2026-01-25. Review status: criteria provided, single submitter. Criteria: Invitae Variant Classification Sherloc (09022015). Collection method: clinical testing. Allele origin: germline.

CeGaT Center for Human Genetics Tuebingen
Classification: Likely benign. Last evaluated: 2025-04-01. Review status: criteria provided, single submitter. Criteria: CeGaT Center For Human Genetics Tuebingen Variant Classification Criteria Version 2. Collection method: clinical testing. Allele origin: germline. Affected: yes. Observed: 2 variant alleles.
Comment: EGFR: BP4, BP7

Ambry Genetics
Classification: Likely benign for Hereditary cancer-predisposing syndrome. Last evaluated: 2024-11-17. Review status: criteria provided, single submitter. Criteria: Ambry Variant Classification Scheme 2023. Collection method: clinical testing. Allele origin: germline.